The following is an entry in ClinVar:

NM_005228.5(EGFR):c.830T>C (p.Met277Thr)

Gene: EGFR (epidermal growth factor receptor; plus strand). Cytogenetic location: 7p11.2.
Variant type: single nucleotide variant.
Coding change: c.830T>C on transcript NM_005228.5 (MANE Select); coding-DNA position 830, T replaced by C.
Protein change: p.Met277Thr; replaces methionine 277 with threonine.
Molecular consequence: missense variant. On other transcripts: intron variant (1).
Genome position (GRCh38, 1-based): chr7:55,154,093, T>C. VCF-style: chr7-55154093-T-C. GRCh37 (hg19) VCF-style: chr7-55221786-T-C.
Other names: c.830T>C (NM_005228.3); c.695T>C, p.Met232Thr (NM_001346897.2, NM_001346899.2); c.830T>C, p.Met277Thr (NM_001346898.2, NM_201282.2, NM_201283.2 and 1 more transcripts); c.671T>C, p.Met224Thr (NM_001346900.2); c.89-1737T>C (NM_001346941.2); short protein forms M224T, M232T, M277T.
Identifiers: ClinVar variation 1024364 (VCV001024364.7), dbSNP rs1215369904, ClinGen allele CA367577765.
Genomic context (GRCh38, chr7:55,154,093, plus strand): 5'-AAGCCACGTGCAAGGACACCTGCCCCCCACTCATGCTCTACAACCCCACCACGTACCAGA[T>C]GGATGTGAACCCCGAGGGCAAATACAGCTTTGGTGCCACCTGCGTGAAGAAGTGTCCCCG-3'
Protein context (NP_005219.2, residues 267-287): LMLYNPTTYQ[Met277Thr]DVNPEGKYSF

ClinVar aggregate classification (germline): Uncertain significance. Review status: criteria provided, multiple submitters, no conflicts (2 of 4 stars). 2 submissions from 2 submitters: Uncertain significance (2). Last evaluated 2026-06-12.

Conditions:
Hereditary cancer-predisposing syndrome. Also called: Hereditary neoplastic syndrome; Neoplastic Syndromes, Hereditary; Tumor predisposition; Hereditary Cancer Syndrome. Identifiers: Orphanet 140162, MedGen C0027672, MeSH D009386, MONDO:0015356.
EGFR-related lung cancer (EGFR). Identifiers: MedGen CN130014.

Allele frequency attached by ClinVar (database versions not stated): gnomAD 0.00001; gnomAD exomes below 0.00001; TOPMed below 0.00001.
gnomAD v4.1: 2 of 1,614,086 alleles (0.00012%); highest among the groups gnomAD compares: Non-Finnish European, 0.00017%; no homozygotes.

Submissions (2):

Ambry Genetics
Classification: Uncertain significance for Hereditary cancer-predisposing syndrome. Last evaluated: 2026-06-12. Review status: criteria provided, single submitter. Criteria: Ambry Variant Classification Scheme 2023. Collection method: clinical testing. Allele origin: germline.
Comment: The p.M277T variant (also known as c.830T>C), located in coding exon 7 of the EGFR gene, results from a T to C substitution at nucleotide position 830. The methionine at codon 277 is replaced by threonine, an amino acid with similar properties. This amino acid position is conserved. In addition, this alteration is predicted to be deleterious by in silico analysis. Based on the available evidence, the clinical significance of this variant remains unclear.

Labcorp Genetics (formerly Invitae), Labcorp
Classification: Uncertain significance for EGFR-related lung cancer. Last evaluated: 2021-11-12. Review status: criteria provided, single submitter. Criteria: Invitae Variant Classification Sherloc (09022015). Collection method: clinical testing. Allele origin: germline.
Comment: In summary, the available evidence is currently insufficient to determine the role of this variant in disease. Therefore, it has been classified as a Variant of Uncertain Significance. Algorithms developed to predict the effect of missense changes on protein structure and function are either unavailable or do not agree on the potential impact of this missense change (SIFT: "Deleterious"; PolyPhen-2: "Possibly Damaging"; Align-GVGD: "Class C0"). ClinVar contains an entry for this variant (Variation ID: 1024364). This variant has not been reported in the literature in individuals affected with EGFR-related conditions. This variant is not present in population databases (gnomAD no frequency). This sequence change replaces methionine, which is neutral and non-polar, with threonine, which is neutral and polar, at codon 277 of the EGFR protein (p.Met277Thr).